The following is an entry in ClinVar:

NM_000452.3(SLC10A2):c.444T>G (p.Tyr148Ter)

Gene: SLC10A2 (solute carrier family 10 member 2; minus strand). Cytogenetic location: 13q33.1.
Variant type: single nucleotide variant.
Coding change: c.444T>G on transcript NM_000452.3 (MANE Select); coding-DNA position 444, T replaced by G.
Protein change: p.Tyr148Ter; replaces tyrosine 148 with a stop codon.
Molecular consequence: nonsense.
Genome position (GRCh38, 1-based): chr13:103,058,316, A>C on the plus strand (T>G on the coding strand, the complement: SLC10A2 is on the minus strand). VCF-style: chr13-103058316-A-C. GRCh37 (hg19) VCF-style: chr13-103710666-A-C.
Other names: short protein forms Y148*.
Identifiers: ClinVar variation 3682595 (VCV003682595.2).

ClinVar aggregate classification (germline): Uncertain significance (1 of 4 stars; one submission).

Submission:

Labcorp Genetics (formerly Invitae), Labcorp
Classification: Uncertain significance. Last evaluated: 2024-10-29. Review status: criteria provided, single submitter. Criteria: Invitae Variant Classification Sherloc (09022015). Collection method: clinical testing. Allele origin: germline.
Comment: This sequence change creates a premature translational stop signal (p.Tyr148*) in the SLC10A2 gene. It is expected to result in an absent or disrupted protein product. However, the current clinical and genetic evidence is not sufficient to establish whether loss-of-function variants in SLC10A2 cause disease. This variant is present in population databases (no rsID available, gnomAD 0.0009%). This variant has not been reported in the literature in individuals affected with SLC10A2-related conditions. Experimental studies and prediction algorithms are not available or were not evaluated, and the functional significance of this variant is currently unknown. In summary, the available evidence is currently insufficient to determine the role of this variant in disease. Therefore, it has been classified as a Variant of Uncertain Significance.